The following is an entry in ClinVar:

ClinVar aggregate classification (germline): Uncertain significance (0 of 4 stars; one submission).

Conditions:
ATRX-related disorder. Also called: ATRX-related condition.

Submission:

PreventionGenetics, part of Exact Sciences
Classification: Uncertain significance for ATRX-related condition. Last evaluated: 2023-12-06. Review status: no assertion criteria provided. Collection method: clinical testing. Allele origin: germline.
Comment: The ATRX c.7377G>A variant is predicted to result in the amino acid substitution p.Met2459Ile. To our knowledge, this variant has not been reported in the literature or in a large population database, indicating this variant is rare. At this time, the clinical significance of this variant is uncertain due to the absence of conclusive functional and genetic evidence.

NM_000489.6(ATRX):c.7377G>A (p.Met2459Ile)

Gene: ATRX (ATRX chromatin remodeler; minus strand). Cytogenetic location: Xq21.1.
Variant type: single nucleotide variant.
Coding change: c.7377G>A on transcript NM_000489.6 (MANE Select); coding-DNA position 7377, G replaced by A.
Protein change: p.Met2459Ile; replaces methionine 2459 with isoleucine.
Molecular consequence: missense variant.
Genome position (GRCh38, 1-based): chrX:77,508,453, C>T on the plus strand (G>A on the coding strand, the complement: ATRX is on the minus strand). VCF-style: chrX-77508453-C-T. GRCh37 (hg19) VCF-style: chrX-76763931-C-T.
Other names: c.7263G>A, p.Met2421Ile (NM_138270.5); short protein forms M2421I, M2459I.
Identifiers: ClinVar variation 3056438 (VCV003056438.2), dbSNP rs2147647948, ClinGen allele CA413704034.